The following is an entry in ClinVar:

ClinVar aggregate classification (germline): Uncertain significance (1 of 4 stars; one submission).

gnomAD v4.1: 4 of 1,614,098 alleles (0.00025%); highest among the groups gnomAD compares: Non-Finnish European, 0.00034%; no homozygotes.

Submission:

Labcorp Genetics (formerly Invitae), Labcorp
Classification: Uncertain significance. Last evaluated: 2025-11-12. Review status: criteria provided, single submitter. Criteria: Invitae Variant Classification Sherloc (09022015). Collection method: clinical testing. Allele origin: germline.
Comment: This sequence change replaces histidine, which is basic and polar, with arginine, which is basic and polar, at codon 299 of the TAB2 protein (p.His299Arg). This variant is not present in population databases (gnomAD no frequency). This variant has not been reported in the literature in individuals affected with TAB2-related conditions. ClinVar contains an entry for this variant (Variation ID: 3691484). Invitae Evidence Modeling of protein sequence and biophysical properties (such as structural, functional, and spatial information, amino acid conservation, physicochemical variation, residue mobility, and thermodynamic stability) indicates that this missense variant is not expected to disrupt TAB2 protein function with a negative predictive value of 80%. In summary, the available evidence is currently insufficient to determine the role of this variant in disease. Therefore, it has been classified as a Variant of Uncertain Significance.

NM_001292034.3(TAB2):c.896A>G (p.His299Arg)

Genes: TAB2 (TGF-beta activated kinase 1 (MAP3K7) binding protein 2; plus strand), LOC126859827 (BRD4-independent group 4 enhancer GRCh37_chr6:149699707-149700906; plus strand). Cytogenetic location: 6q25.1.
Variant type: single nucleotide variant.
Coding change: c.896A>G on transcript NM_001292034.3 (MANE Select); coding-DNA position 896, A replaced by G.
Protein change: p.His299Arg; replaces histidine 299 with arginine.
Molecular consequence: missense variant.
Genome position (GRCh38, 1-based): chr6:149,378,811, A>G. VCF-style: chr6-149378811-A-G. GRCh37 (hg19) VCF-style: chr6-149699947-A-G.
Other names: c.800A>G, p.His267Arg (NM_001292035.3); c.896A>G, p.His299Arg (NM_001369506.1, NM_015093.6); short protein forms H299R, H267R.
Identifiers: ClinVar variation 3691484 (VCV003691484.2).